The following is an entry in ClinVar:

ClinVar aggregate classification (germline): Uncertain significance (1 of 4 stars; one submission).

Allele frequency attached by ClinVar (database versions not stated): gnomAD exomes below 0.00001.
gnomAD v4.1: 1 of 1,613,986 alleles (0.000062%); highest among the groups gnomAD compares: Non-Finnish European, 0.000085%; no homozygotes.

Submission:

Labcorp Genetics (formerly Invitae), Labcorp
Classification: Uncertain significance. Last evaluated: 2022-07-05. Review status: criteria provided, single submitter. Criteria: Invitae Variant Classification Sherloc (09022015). Collection method: clinical testing. Allele origin: germline.
Comment: This variant is not present in population databases (gnomAD no frequency). In summary, the available evidence is currently insufficient to determine the role of this variant in disease. Therefore, it has been classified as a Variant of Uncertain Significance. Algorithms developed to predict the effect of missense changes on protein structure and function output the following: SIFT: "Tolerated"; PolyPhen-2: "Benign"; Align-GVGD: "Class C0". The asparagine amino acid residue is found in multiple mammalian species, which suggests that this missense change does not adversely affect protein function. ClinVar contains an entry for this variant (Variation ID: 1512716). This variant has not been reported in the literature in individuals affected with MERTK-related conditions. This sequence change replaces serine, which is neutral and polar, with asparagine, which is neutral and polar, at codon 428 of the MERTK protein (p.Ser428Asn).

NM_006343.3(MERTK):c.1283G>A (p.Ser428Asn)

Gene: MERTK (MER proto-oncogene, tyrosine kinase; plus strand). Cytogenetic location: 2q13.
Variant type: single nucleotide variant.
Coding change: c.1283G>A on transcript NM_006343.3 (MANE Select); coding-DNA position 1283, G replaced by A.
Protein change: p.Ser428Asn; replaces serine 428 with asparagine.
Molecular consequence: missense variant.
Genome position (GRCh38, 1-based): chr2:111,982,980, G>A. VCF-style: chr2-111982980-G-A. GRCh37 (hg19) VCF-style: chr2-112740557-G-A.
Other names: short protein forms S428N.
Identifiers: ClinVar variation 1512716 (VCV001512716.6), dbSNP rs2104741250, ClinGen allele CA348235892.